The following is an entry in ClinVar:

NM_024408.4(NOTCH2):c.6106C>G (p.Arg2036Gly)

Gene: NOTCH2 (notch receptor 2; minus strand). Cytogenetic location: 1p12.
Variant type: single nucleotide variant.
Coding change: c.6106C>G on transcript NM_024408.4 (MANE Select); coding-DNA position 6106, C replaced by G.
Protein change: p.Arg2036Gly; replaces arginine 2036 with glycine.
Molecular consequence: missense variant.
Genome position (GRCh38, 1-based): chr1:119,916,616, G>C on the plus strand (C>G on the coding strand, the complement: NOTCH2 is on the minus strand). VCF-style: chr1-119916616-G-C. GRCh37 (hg19) VCF-style: chr1-120459239-G-C.
Other names: short protein forms R2036G.
Identifiers: ClinVar variation 2631769 (VCV002631769.3), dbSNP rs2101145073, ClinGen allele CA341880923.

ClinVar aggregate classification (germline): Uncertain significance. Review status: criteria provided, multiple submitters, no conflicts (2 of 4 stars). 2 submissions from 2 submitters: Uncertain significance (2). Last evaluated 2024-08-04.

Conditions:
NOTCH2-related disorder. Also called: NOTCH2-related condition.
Hajdu-Cheney syndrome (HJCYS). Also called: SERPENTINE FIBULA-POLYCYSTIC KIDNEY SYNDROME; ACROOSTEOLYSIS WITH OSTEOPOROSIS AND CHANGES IN SKULL AND MANDIBLE; Acroosteolysis dominant type. Identifiers: Orphanet 955, MedGen C0917715, MONDO:0007057, OMIM 102500.

gnomAD v4.1: 7 of 1,614,154 alleles (0.00043%); highest among the groups gnomAD compares: Admixed American, 0.0017%; no homozygotes.

Submissions (2):

Labcorp Genetics (formerly Invitae), Labcorp
Classification: Uncertain significance for Hajdu-Cheney syndrome. Last evaluated: 2024-08-04. Review status: criteria provided, single submitter. Criteria: Invitae Variant Classification Sherloc (09022015). Collection method: clinical testing. Allele origin: germline.
Comment: This sequence change replaces arginine, which is basic and polar, with glycine, which is neutral and non-polar, at codon 2036 of the NOTCH2 protein (p.Arg2036Gly). This variant is not present in population databases (gnomAD no frequency). This variant has not been reported in the literature in individuals affected with NOTCH2-related conditions. ClinVar contains an entry for this variant (Variation ID: 2631769). Advanced modeling of protein sequence and biophysical properties (such as structural, functional, and spatial information, amino acid conservation, physicochemical variation, residue mobility, and thermodynamic stability) has been performed at Invitae for this missense variant, however the output from this modeling did not meet the statistical confidence thresholds required to predict the impact of this variant on NOTCH2 protein function. In summary, the available evidence is currently insufficient to determine the role of this variant in disease. Therefore, it has been classified as a Variant of Uncertain Significance.

PreventionGenetics, part of Exact Sciences
Classification: Uncertain significance for NOTCH2-related condition. Last evaluated: 2023-06-29. Review status: criteria provided, single submitter. Criteria: ACMG Guidelines, 2015. Collection method: clinical testing. Allele origin: germline.
Comment: The NOTCH2 c.6106C>G variant is predicted to result in the amino acid substitution p.Arg2036Gly. To our knowledge, this variant has not been reported in the literature or in a large population database, indicating this variant is rare. At this time, the clinical significance of this variant is uncertain due to the absence of conclusive functional and genetic evidence.